The following is an entry in ClinVar:

NM_001375524.1(TRRAP):c.5153T>C (p.Ile1718Thr)

Genes: TRRAP (transformation/transcription domain associated protein; plus strand), LOC126860121 (MED14-independent group 3 enhancer GRCh37_chr7:98547245-98548444; plus strand). Cytogenetic location: 7q22.1.
Variant type: single nucleotide variant.
Coding change: c.5153T>C on transcript NM_001375524.1 (MANE Select); coding-DNA position 5153, T replaced by C.
Protein change: p.Ile1718Thr; replaces isoleucine 1718 with threonine.
Molecular consequence: missense variant.
Genome position (GRCh38, 1-based): chr7:98,950,081, T>C. VCF-style: chr7-98950081-T-C. GRCh37 (hg19) VCF-style: chr7-98547704-T-C.
Other names: c.5132T>C, p.Ile1711Thr (NM_001244580.2); c.5078T>C, p.Ile1693Thr (NM_003496.4); c.5078T>C (NM_003496.3); short protein forms I1693T, I1711T, I1718T.
Identifiers: ClinVar variation 2060099 (VCV002060099.13), dbSNP rs782667757, ClinGen allele CA4360500.

ClinVar aggregate classification (germline): Conflicting classifications of pathogenicity. Review status: criteria provided, conflicting classifications (1 of 4 stars). 3 submissions from 3 submitters: Uncertain significance (2); Benign (1). Last evaluated 2026-03-20.

Conditions:
TRRAP-related disorder. Also called: TRRAP-related condition.

Allele frequency attached by ClinVar (database versions not stated): ExAC 0.00012.

Submissions (3):

PreventionGenetics, part of Exact Sciences
Classification: Uncertain significance for TRRAP-related condition. Last evaluated: 2026-03-20. Review status: criteria provided, single submitter. Criteria: ACMG Guidelines, 2015. Collection method: clinical testing. Allele origin: germline.
Comment: The TRRAP c.5078T>C variant is predicted to result in the amino acid substitution p.Ile1693Thr. To our knowledge, this variant has not been reported in the literature. This variant is reported in 0.014% of alleles in individuals of European (Non-Finnish) descent in gnomAD. Although we suspect that this variant may be benign, at this time, the clinical significance of this variant is uncertain due to the absence of conclusive functional and genetic evidence.

Labcorp Genetics (formerly Invitae), Labcorp
Classification: Benign. Last evaluated: 2026-01-12. Review status: criteria provided, single submitter. Criteria: Invitae Variant Classification Sherloc (09022015). Collection method: clinical testing. Allele origin: germline.

CeGaT Center for Human Genetics Tuebingen
Classification: Uncertain significance. Last evaluated: 2025-07-01. Review status: criteria provided, single submitter. Criteria: CeGaT Center For Human Genetics Tuebingen Variant Classification Criteria Version 2. Collection method: clinical testing. Allele origin: germline. Affected: yes. Observed: 1 variant allele.